The following is an entry in ClinVar:

NM_001040142.2(SCN2A):c.3372C>T (p.Ser1124=)

Gene: SCN2A (sodium voltage-gated channel alpha subunit 2; plus strand). Cytogenetic location: 2q24.3.
Variant type: single nucleotide variant.
Coding change: c.3372C>T on transcript NM_001040142.2 (MANE Select); coding-DNA position 3372, C replaced by T.
Protein change: p.Ser1124=; no amino-acid change (serine 1124 retained).
Molecular consequence: synonymous variant.
Genome position (GRCh38, 1-based): chr2:165,354,644, C>T. VCF-style: chr2-165354644-C-T. GRCh37 (hg19) VCF-style: chr2-166211154-C-T.
Other names: p.S1124S:AGC>AGT; c.3372C>T, p.Ser1124= (NM_001040143.2, NM_001371246.1, NM_001371247.1 and 1 more transcripts).
Identifiers: ClinVar variation 206985 (VCV000206985.65), dbSNP rs571408286, ClinGen allele CA317921.

ClinVar aggregate classification (germline): Benign. Review status: criteria provided, multiple submitters, no conflicts (2 of 4 stars). 8 submissions from 8 submitters: Benign (7). 1 of the submissions does not count toward it. Last evaluated 2026-02-03.

Conditions:
Inborn genetic diseases. Identifiers: MedGen C0950123, MeSH D030342.
Seizures, benign familial infantile, 3 (BFIS3). Also called: Familial neonatal seizures; CONVULSIONS, BENIGN FAMILIAL INFANTILE, 3. Identifiers: Orphanet 140927, Orphanet 306, MedGen C1843140, MONDO:0011904, OMIM 607745.
SCN2A-related disorder. Also called: SCN2A-related disorders; SCN2A-related condition. Identifiers: MedGen CN382226, MONDO:1060245.
Developmental and epileptic encephalopathy, 11 (DEE11). Also called: Early infantile epileptic encephalopathy 11. Identifiers: Orphanet 1934, MedGen C3150987, MONDO:0013388, OMIM 613721.

Allele frequency attached by ClinVar (database versions not stated): gnomAD 0.00074 and 0.00008; ExAC 0.00425; gnomAD exomes 0.00168 and 0.00362; TOPMed 0.00021; 1000 Genomes Project 30x 0.00453; 1000 Genomes Project 0.00519.
gnomAD v4.1: 2,607 of 1,613,530 alleles (0.16%); highest among the groups gnomAD compares: South Asian, 2.7%; 69 homozygotes.

Submissions (8):

Labcorp Genetics (formerly Invitae), Labcorp
Classification: Benign for Seizures, benign familial infantile, 3; Developmental and epileptic encephalopathy, 11. Last evaluated: 2026-02-03. Review status: criteria provided, single submitter. Criteria: Invitae Variant Classification Sherloc (09022015). Collection method: clinical testing. Allele origin: germline.

Illumina Laboratory Services, Illumina
Classification: Benign for Seizures, benign familial infantile, 3. Last evaluated: 2018-01-13. Review status: criteria provided, single submitter. Criteria: ICSL Variant Classification Criteria 13 December 2019. Collection method: clinical testing. Allele origin: germline.
Comment: This variant was observed in the ICSL laboratory as part of a predisposition screen in an ostensibly healthy population. It had not been previously curated by ICSL or reported in the Human Gene Mutation Database (HGMD: prior to June 1st, 2018), and was therefore a candidate for classification through an automated scoring system. Utilizing variant allele frequency, disease prevalence and penetrance estimates, and inheritance mode, an automated score was calculated to assess if this variant is too frequent to cause the disease. Based on the score and internal cut-off values, a variant classified as benign is not then subjected to further curation. The score for this variant resulted in a classification of benign for this disease.

Athena Diagnostics
Classification: Benign. Last evaluated: 2017-11-16. Review status: criteria provided, single submitter. Criteria: Athena Diagnostics Criteria. Collection method: clinical testing. Allele origin: germline.

Genetic Services Laboratory, University of Chicago
Classification: Benign. Last evaluated: 2017-10-27. Review status: criteria provided, single submitter. Criteria: ACMG Guidelines, 2015. Collection method: clinical testing. Allele origin: germline. Affected: no.

Ambry Genetics
Classification: Benign for Inborn genetic diseases. Last evaluated: 2016-07-13. Review status: criteria provided, single submitter. Criteria: Ambry Variant Classification Scheme 2023. Collection method: clinical testing. Allele origin: germline.

GeneDx
Classification: Benign. Last evaluated: 2015-07-21. Review status: criteria provided, single submitter. Criteria: GeneDx Variant Classification (06012015). Collection method: clinical testing. Allele origin: germline. Affected: yes.
Comment: This variant is considered likely benign or benign based on one or more of the following criteria: it is a conservative change, it occurs at a poorly conserved position in the protein, it is predicted to be benign by multiple in silico algorithms, and/or has population frequency not consistent with disease.

Breakthrough Genomics
Classification: Benign. Review status: criteria provided, single submitter. Criteria: ACMG Guidelines, 2015. Collection method: not provided. Allele origin: germline. Inheritance: Autosomal dominant inheritance. Affected: yes.

PreventionGenetics, part of Exact Sciences
Classification: Likely benign for SCN2A-related condition. Last evaluated: 2019-03-25. Review status: no assertion criteria provided. Collection method: clinical testing. Allele origin: germline. Not counted in ClinVar's aggregate classification.
Comment: This variant is classified as likely benign based on ACMG/AMP sequence variant interpretation guidelines (Richards et al. 2015 PMID: 25741868, with internal and published modifications).